The following is an entry in ClinVar:

NM_001164508.2(NEB):c.2989G>T (p.Glu997Ter)

Gene: NEB (nebulin; minus strand). Cytogenetic location: 2q23.3.
Variant type: single nucleotide variant.
Coding change: c.2989G>T on transcript NM_001164508.2 (MANE Select); coding-DNA position 2989, G replaced by T.
Protein change: p.Glu997Ter; replaces glutamic acid 997 with a stop codon.
Molecular consequence: nonsense.
Genome position (GRCh38, 1-based): chr2:151,680,783, C>A on the plus strand (G>T on the coding strand, the complement: NEB is on the minus strand). VCF-style: chr2-151680783-C-A. GRCh37 (hg19) VCF-style: chr2-152537297-C-A.
Other names: c.2989G>T, p.Glu997Ter (NM_001164507.2, NM_001271208.2, NM_004543.5); short protein forms E997*.
Identifiers: ClinVar variation 5011412 (VCV005011412.1).

ClinVar aggregate classification (germline): Pathogenic (1 of 4 stars; one submission).

Conditions:
Nemaline myopathy 2 (NEM2). Also called: Nemaline myopathy 2, autosomal recessive. Identifiers: MedGen C1850569, MONDO:0009725, OMIM 256030.

Submission:

Myriad Genetics, Inc.
Classification: Pathogenic for Nemaline myopathy 2. Last evaluated: 2023-08-21. Review status: criteria provided, single submitter. Criteria: Myriad Autosomal Dominant, Autosomal Recessive and X-Linked Classification Criteria (2023). Collection method: clinical testing. Allele origin: unknown.
Comment: NM_001271208.1(NEB):c.2989G>T(E997*) is expected to be pathogenic in the context of NEB-related nemaline myopathy. This variant is predicted to lead to an abnormal or absent protein product due to the creation of a premature termination codon in NEB, a gene where loss-of-function variants are known to be pathogenic. Please note: this variant was assessed in the context of healthy population screening.